The following is an entry in ClinVar:

NM_002016.2(FLG):c.11530C>T (p.Gln3844Ter)

Genes: CCDST (cervical cancer associated DHX9 suppressive transcript; plus strand), FLG (filaggrin; minus strand). Cytogenetic location: 1q21.3.
Variant type: single nucleotide variant.
Coding change: c.11530C>T on transcript NM_002016.2 (MANE Select); coding-DNA position 11530, C replaced by T.
Protein change: p.Gln3844Ter; replaces glutamine 3844 with a stop codon.
Molecular consequence: nonsense.
Genome position (GRCh38, 1-based): chr1:152,303,356, G>A on the plus strand (C>T on the coding strand, the complement: FLG is on the minus strand). VCF-style: chr1-152303356-G-A. GRCh37 (hg19) VCF-style: chr1-152275832-G-A.
Other names: short protein forms Q3844*.
Identifiers: ClinVar variation 5019987 (VCV005019987.2), dbSNP rs759664162.

ClinVar aggregate classification (germline): Uncertain significance (1 of 4 stars; one submission).

Conditions:
Dermatitis, atopic, 2. Identifiers: MedGen C1853965, MONDO:0011596, OMIM 605803.
Ichthyosis vulgaris. Also called: ICHTHYOSIS SIMPLEX; Dominant ichthyosis vulgaris. Identifiers: MedGen C0079584, MONDO:0024304, OMIM 146700.

gnomAD v4.1: 7 of 1,614,132 alleles (0.00043%); highest among the groups gnomAD compares: East Asian, 0.016%; no homozygotes.

Submission:

Juno Genomics, Hangzhou Juno Genomics, Inc
Classification: Uncertain significance for Dermatitis, atopic, 2; Ichthyosis vulgaris. Review status: criteria provided, single submitter. Criteria: ACMG Guidelines, 2015. Collection method: clinical testing. Allele origin: germline.
Comment: Absent from controls (or at extremely low frequency if recessive) in Genome Aggregation Database.;Null variant in a gene where loss of function (LOF) is a known mechanism of disease.